The following is an entry in ClinVar:

NM_000535.7(PMS2):c.1170G>A (p.Ala390=)

Gene: PMS2 (PMS1 homolog 2, mismatch repair system component; minus strand). Cytogenetic location: 7p22.1.
Variant type: single nucleotide variant.
Coding change: c.1170G>A on transcript NM_000535.7 (MANE Select); coding-DNA position 1170, G replaced by A.
Protein change: p.Ala390=; no amino-acid change (alanine 390 retained).
Molecular consequence: synonymous variant. On other transcripts: non-coding transcript variant (1).
Genome position (GRCh38, 1-based): chr7:5,987,595, C>T on the plus strand (G>A on the coding strand, the complement: PMS2 is on the minus strand). VCF-style: chr7-5987595-C-T. GRCh37 (hg19) VCF-style: chr7-6027226-C-T.
Other names: p.Ala390=; c.765G>A, p.Ala255= (NM_001322004.2, NM_001322005.2, NM_001322009.2 and 1 more transcripts); c.1014G>A, p.Ala338= (NM_001322006.2); c.852G>A, p.Ala284= (NM_001322007.2, NM_001322008.2); c.609G>A, p.Ala203= (NM_001322010.2); c.237G>A, p.Ala79= (NM_001322011.2, NM_001322012.2); c.597G>A, p.Ala199= (NM_001322013.2); c.1170G>A, p.Ala390= (NM_001322014.2); and 1 more.
Identifiers: ClinVar variation 185100 (VCV000185100.60), dbSNP rs755578413, ClinGen allele CA009278.

ClinVar aggregate classification (germline): Conflicting classifications of pathogenicity. Review status: criteria provided, conflicting classifications (1 of 4 stars). 17 submissions from 17 submitters: Uncertain significance (1); Benign (2); Likely benign (14). Last evaluated 2025-12-19.

Conditions:
Lynch syndrome 4 (LYNCH4). Also called: Hereditary non-polyposis colorectal cancer, type 4; Colorectal cancer, hereditary nonpolyposis, type 4. Identifiers: Orphanet 144, MedGen C1838333, MONDO:0013699, OMIM 614337. Disease mechanism: loss of function.
Mismatch repair cancer syndrome 4. Identifiers: MedGen C5436817, MONDO:0030843, OMIM 619101.
Hereditary nonpolyposis colorectal neoplasms. Identifiers: MedGen C0009405, MeSH D003123.
Breast and/or ovarian cancer. Identifiers: MedGen CN221562.
Hereditary cancer-predisposing syndrome. Also called: Tumor predisposition; Neoplastic Syndromes, Hereditary; Hereditary Cancer Syndrome; Hereditary neoplastic syndrome. Identifiers: Orphanet 140162, MedGen C0027672, MeSH D009386, MONDO:0015356.

Allele frequency attached by ClinVar (database versions not stated): gnomAD 0.00001 and 0.00002; TOPMed 0.00002; gnomAD exomes 0.00003 and 0.00004; ExAC 0.00004.
gnomAD v4.1: 51 of 1,605,194 alleles (0.0032%); highest among the groups gnomAD compares: Middle Eastern, 0.066%; no homozygotes.

Submissions (17):

Labcorp Genetics (formerly Invitae), Labcorp
Classification: Likely benign for Hereditary nonpolyposis colorectal neoplasms. Last evaluated: 2025-12-19. Review status: criteria provided, single submitter. Criteria: Invitae Variant Classification Sherloc (09022015). Collection method: clinical testing. Allele origin: germline.

Center for Genomic Medicine, Rigshospitalet, Copenhagen University Hospital
Classification: Likely benign. Last evaluated: 2025-03-04. Review status: criteria provided, single submitter. Criteria: ACMG Guidelines, 2015. Collection method: clinical testing. Allele origin: germline.

Myriad Genetics, Inc.
Classification: Benign for Lynch syndrome 4. Last evaluated: 2025-01-30. Review status: criteria provided, single submitter. Criteria: Myriad Autosomal Dominant, Autosomal Recessive and X-Linked Classification Criteria (2023). Collection method: clinical testing. Allele origin: unknown.
Comment: This variant is considered benign. This variant is a silent/synonymous amino acid change and it is not expected to impact splicing.

Blueprint Genetics
Classification: Likely benign. Last evaluated: 2024-11-11. Review status: criteria provided, single submitter. Criteria: ACMG Guidelines, 2015. Collection method: clinical testing. Allele origin: germline.

Mayo Clinic Laboratories, Mayo Clinic
Classification: Likely benign. Last evaluated: 2024-10-04. Review status: criteria provided, single submitter. Criteria: ACMG Guidelines, 2015. Collection method: clinical testing. Allele origin: germline. Observed: 1 variant allele.
Comment: BP4, BP7

CeGaT Center for Human Genetics Tuebingen
Classification: Likely benign. Last evaluated: 2024-07-01. Review status: criteria provided, single submitter. Criteria: CeGaT Center For Human Genetics Tuebingen Variant Classification Criteria Version 2. Collection method: clinical testing. Allele origin: germline. Affected: yes. Observed: 2 variant alleles.
Comment: PMS2: BP4, BP7

Department of Pathology and Laboratory Medicine, Sinai Health System
Classification: Likely benign for Lynch syndrome 4; Mismatch repair cancer syndrome 4. Last evaluated: 2024-01-17. Review status: criteria provided, single submitter. Criteria: ACMG Guidelines, 2015. Collection method: clinical testing. Allele origin: germline. Affected: no.

KCCC/NGS Laboratory, Kuwait Cancer Control Center
Classification: Likely benign for Lynch syndrome 4. Last evaluated: 2023-07-07. Review status: criteria provided, single submitter. Criteria: ACMG Guidelines, 2015. Collection method: clinical testing. Allele origin: germline. Affected: yes.

CHEO Genetics Diagnostic Laboratory, Children's Hospital of Eastern Ontario
Classification: Likely benign for Breast and/or ovarian cancer. Last evaluated: 2022-05-30. Review status: criteria provided, single submitter. Criteria: ACMG Guidelines, 2015. Collection method: clinical testing. Allele origin: germline.

Women's Health and Genetics/Laboratory Corporation of America, LabCorp
Classification: Likely benign. Last evaluated: 2021-07-17. Review status: criteria provided, single submitter. Criteria: LabCorp Variant Classification Summary - May 2015. Collection method: clinical testing. Allele origin: germline.

Sema4
Classification: Likely benign for Hereditary cancer-predisposing syndrome. Last evaluated: 2020-11-10. Review status: criteria provided, single submitter. Criteria: Sema4 Curation Guidelines. Collection method: curation. Allele origin: germline.

Genetic Services Laboratory, University of Chicago
Classification: Likely benign. Last evaluated: 2020-08-17. Review status: criteria provided, single submitter. Criteria: ACMG Guidelines, 2015. Collection method: clinical testing. Allele origin: germline. Affected: no.

Quest Diagnostics Nichols Institute San Juan Capistrano
Classification: Likely benign. Last evaluated: 2019-01-09. Review status: criteria provided, single submitter. Criteria: Quest Diagnostics criteria. Collection method: clinical testing. Allele origin: germline.

Illumina Laboratory Services, Illumina
Classification: Uncertain significance for Lynch syndrome 4. Last evaluated: 2018-01-12. Review status: criteria provided, single submitter. Criteria: ICSL Variant Classification Criteria 13 December 2019. Collection method: clinical testing. Allele origin: germline.

Color Diagnostics, LLC DBA Color Health
Classification: Likely benign for Hereditary cancer-predisposing syndrome. Last evaluated: 2017-02-06. Review status: criteria provided, single submitter. Criteria: ACMG Guidelines, 2015. Collection method: clinical testing. Allele origin: germline.

GeneDx
Classification: Benign. Last evaluated: 2015-07-02. Review status: criteria provided, single submitter. Criteria: GeneDx Variant Classification Process June 2021. Collection method: clinical testing. Allele origin: germline. Affected: yes.

Ambry Genetics
Classification: Likely benign for Hereditary cancer-predisposing syndrome. Last evaluated: 2014-07-04. Review status: criteria provided, single submitter. Criteria: Ambry Variant Classification Scheme 2023. Collection method: clinical testing. Allele origin: germline.